The following is an entry in ClinVar:

NM_001145418.2(TTC28):c.5688C>T (p.His1896=)

Genes: TTC28 (tetratricopeptide repeat domain 28; minus strand), TTC28-AS1 (TTC28 antisense RNA 1; plus strand). Cytogenetic location: 22q12.1.
Variant type: single nucleotide variant.
Coding change: c.5688C>T on transcript NM_001145418.2 (MANE Select); coding-DNA position 5688, C replaced by T.
Protein change: p.His1896=; no amino-acid change (histidine 1896 retained).
Molecular consequence: synonymous variant.
Genome position (GRCh38, 1-based): chr22:27,989,897, G>A on the plus strand (C>T on the coding strand, the complement: TTC28 is on the minus strand). VCF-style: chr22-27989897-G-A. GRCh37 (hg19) VCF-style: chr22-28385885-G-A.
Other names: c.5664C>T, p.His1888= (NM_001393403.1); c.5334C>T, p.His1778= (NM_001393404.1); c.5310C>T, p.His1770= (NM_001393405.1).
Identifiers: ClinVar variation 3040953 (VCV003040953.2), dbSNP rs756460879, ClinGen allele CA10167101.

ClinVar aggregate classification (germline): Likely benign (0 of 4 stars; one submission).

Conditions:
TTC28-related disorder. Also called: TTC28-related condition.

Allele frequency attached by ClinVar (database versions not stated): ExAC 0.00009; gnomAD 0.00014; TOPMed 0.00020; gnomAD exomes 0.00038.
gnomAD v4.1: 548 of 1,550,908 alleles (0.035%); highest among the groups gnomAD compares: Non-Finnish European, 0.045%; no homozygotes.

Submission:

PreventionGenetics, part of Exact Sciences
Classification: Likely benign for TTC28-related condition. Last evaluated: 2019-09-17. Review status: no assertion criteria provided. Collection method: clinical testing. Allele origin: germline.
Comment: This variant is classified as likely benign based on ACMG/AMP sequence variant interpretation guidelines (Richards et al. 2015 PMID: 25741868, with internal and published modifications).